The following is an entry in ClinVar:

NM_005431.2(XRCC2):c.594A>G (p.Ile198Met)

Gene: XRCC2 (X-ray repair cross complementing 2; minus strand). Cytogenetic location: 7q36.1.
Variant type: single nucleotide variant.
Coding change: c.594A>G on transcript NM_005431.2 (MANE Select); coding-DNA position 594, A replaced by G.
Protein change: p.Ile198Met; replaces isoleucine 198 with methionine.
Molecular consequence: missense variant.
Genome position (GRCh38, 1-based): chr7:152,648,891, T>C on the plus strand (A>G on the coding strand, the complement: XRCC2 is on the minus strand). VCF-style: chr7-152648891-T-C. GRCh37 (hg19) VCF-style: chr7-152345976-T-C.
Other names: short protein forms I198M.
Identifiers: ClinVar variation 3333526 (VCV003333526.1).

ClinVar aggregate classification (germline): Uncertain significance (1 of 4 stars; one submission).

Conditions:
Hereditary cancer-predisposing syndrome. Also called: Neoplastic Syndromes, Hereditary; Tumor predisposition; Hereditary neoplastic syndrome; Hereditary Cancer Syndrome. Identifiers: Orphanet 140162, MedGen C0027672, MeSH D009386, MONDO:0015356.

Submission:

Ambry Genetics
Classification: Uncertain significance for Hereditary cancer-predisposing syndrome. Last evaluated: 2024-06-08. Review status: criteria provided, single submitter. Criteria: Ambry Variant Classification Scheme 2023. Collection method: clinical testing. Allele origin: germline.
Comment: The p.I198M variant (also known as c.594A>G), located in coding exon 3 of the XRCC2 gene, results from an A to G substitution at nucleotide position 594. The isoleucine at codon 198 is replaced by methionine, an amino acid with highly similar properties. This amino acid position is conserved. In addition, this alteration is predicted to be tolerated by in silico analysis. Based on the available evidence, the clinical significance of this variant remains unclear.